The following is an entry in ClinVar:

NM_152564.5(VPS13B):c.5772dup (p.Gln1925fs)

Gene: VPS13B (vacuolar protein sorting 13 homolog B; plus strand). Cytogenetic location: 8q22.2.
Variant type: Duplication.
Coding change: c.5772dup on transcript NM_152564.5 (MANE Select); coding-DNA position 5772, one base duplicated (A; older notation c.5772dupA).
Protein change: p.Gln1925fs; shifts the reading frame from glutamine 1925.
Molecular consequence: frameshift variant.
Genome position (GRCh38, 1-based): chr8:99,642,362, A duplicated. VCF-style (leftmost placement, unchanged base first): chr8-99642361-T-TA. GRCh37 (hg19) VCF-style: chr8-100654589-T-TA.
Other names: c.5847dup, p.Gln1950fs (NM_017890.5); c.5847dupA (NM_017890.4); short protein forms Q1925fs, Q1950fs.
Identifiers: ClinVar variation 371482 (VCV000371482.9), dbSNP rs754016783, ClinGen allele CA4823868.

ClinVar aggregate classification (germline): Pathogenic. Review status: criteria provided, single submitter (1 of 4 stars). 2 submissions from 2 submitters: Pathogenic (1). 1 of the submissions does not count toward it. Last evaluated 2020-09-17.

Conditions:
Cohen syndrome (COH1). Also called: Cutis verticis gyrata, retinitis pigmentosa, and sensorineural deafness; PEPPER SYNDROME. Identifiers: Orphanet 193, MedGen C0265223, MONDO:0008999, OMIM 216550.

Allele frequency attached by ClinVar (database versions not stated): gnomAD exomes below 0.00001 and 0.00001; ExAC 0.00001; TOPMed 0.00001.

Submissions (2):

Labcorp Genetics (formerly Invitae), Labcorp
Classification: Pathogenic for Cohen syndrome. Last evaluated: 2020-09-17. Review status: criteria provided, single submitter. Criteria: Invitae Variant Classification Sherloc (09022015). Collection method: clinical testing. Allele origin: germline.
Comment: Loss-of-function variants in VPS13B are known to be pathogenic (PMID: 15141358, 16648375, 20461111). This variant has not been reported in the literature in individuals with VPS13B-related conditions. This variant is present in population databases (rs754016783, ExAC 0.006%). This sequence change creates a premature translational stop signal (p.Gln1950Thrfs*32) in the VPS13B gene. It is expected to result in an absent or disrupted protein product. For these reasons, this variant has been classified as Pathogenic.

Counsyl
Classification: Likely pathogenic for Cohen syndrome. Last evaluated: 2016-10-04. Review status: no assertion criteria provided. Collection method: clinical testing. Allele origin: unknown. Not counted in ClinVar's aggregate classification.

Literature cited by the submitters: PubMed 15141358 (cited by Labcorp Genetics (formerly Invitae), Labcorp); PubMed 16648375 (cited by Labcorp Genetics (formerly Invitae), Labcorp); PubMed 20461111 (cited by Labcorp Genetics (formerly Invitae), Labcorp).